The following is an entry in ClinVar:

NM_020166.5(MCCC1):c.1595A>G (p.Asp532Gly)

Gene: MCCC1 (methylcrotonyl-CoA carboxylase subunit 1; minus strand). Cytogenetic location: 3q27.1.
Variant type: single nucleotide variant.
Coding change: c.1595A>G on transcript NM_020166.5 (MANE Select); coding-DNA position 1595, A replaced by G.
Protein change: p.Asp532Gly; replaces aspartic acid 532 with glycine.
Molecular consequence: missense variant. On other transcripts: non-coding transcript variant (2).
Genome position (GRCh38, 1-based): chr3:183,034,077, T>C on the plus strand (A>G on the coding strand, the complement: MCCC1 is on the minus strand). VCF-style: chr3-183034077-T-C. GRCh37 (hg19) VCF-style: chr3-182751865-T-C.
Other names: c.1244A>G, p.Asp415Gly (NM_001293273.2); c.1268A>G, p.Asp423Gly (NM_001363880.1); short protein forms D423G, D415G, D532G.
Identifiers: ClinVar variation 641070 (VCV000641070.5), dbSNP rs756076414, ClinGen allele CA2718722.

ClinVar aggregate classification (germline): Uncertain significance (1 of 4 stars; one submission).

Conditions:
3-methylcrotonyl-CoA carboxylase 1 deficiency (MCC1D). Also called: MCCD TYPE 1; METHYLCROTONYLGLYCINURIA TYPE I; MCC 1 deficiency; 3 Alpha methylcrotonylglycinuria 1. Identifiers: Orphanet 6, MedGen CN028786, MONDO:0008861, OMIM 210200.

Allele frequency attached by ClinVar (database versions not stated): gnomAD exomes below 0.00001 and 0.00002; TOPMed below 0.00001; ExAC 0.00002.
gnomAD v4.1: 5 of 1,604,492 alleles (0.00031%); highest among the groups gnomAD compares: Admixed American, 0.0067%; no homozygotes.

Submission:

Labcorp Genetics (formerly Invitae), Labcorp
Classification: Uncertain significance for 3-methylcrotonyl-CoA carboxylase 1 deficiency. Last evaluated: 2022-08-12. Review status: criteria provided, single submitter. Criteria: Invitae Variant Classification Sherloc (09022015). Collection method: clinical testing. Allele origin: germline.
Comment: Algorithms developed to predict the effect of missense changes on protein structure and function are either unavailable or do not agree on the potential impact of this missense change (SIFT: "Tolerated"; PolyPhen-2: "Possibly Damaging"; Align-GVGD: "Class C0"). In summary, the available evidence is currently insufficient to determine the role of this variant in disease. Therefore, it has been classified as a Variant of Uncertain Significance. Algorithms developed to predict the effect of sequence changes on RNA splicing suggest that this variant may disrupt the consensus splice site. ClinVar contains an entry for this variant (Variation ID: 641070). This variant has not been reported in the literature in individuals affected with MCCC1-related conditions. This variant is present in population databases (rs756076414, gnomAD 0.01%). This sequence change replaces aspartic acid, which is acidic and polar, with glycine, which is neutral and non-polar, at codon 532 of the MCCC1 protein (p.Asp532Gly).